The following is an entry in ClinVar:

NM_000146.4(FTL):c.-164C>T

Gene: FTL (ferritin light chain; plus strand). Cytogenetic location: 19q13.33.
Variant type: single nucleotide variant.
Coding change: c.-164C>T on transcript NM_000146.4 (MANE Select); 164 bases upstream of the start codon, C replaced by T.
Molecular consequence: 5 prime UTR variant.
Genome position (GRCh38, 1-based): chr19:48,965,344, C>T. VCF-style: chr19-48965344-C-T. GRCh37 (hg19) VCF-style: chr19-49468601-C-T.
Other names: -164C-T.
Identifiers: ClinVar variation 96691 (VCV000096691.3), dbSNP rs398124637, ClinGen allele CA149685.

ClinVar aggregate classification (germline): Conflicting classifications of pathogenicity. Review status: criteria provided, conflicting classifications (1 of 4 stars). 3 submissions from 3 submitters: Pathogenic (1); Uncertain significance (1). 1 of the submissions does not count toward it. Last evaluated 2025-05-11.

Conditions:
FTL-related disorders.
Neuroferritinopathy (NBIA3). Also called: NEURODEGENERATION WITH BRAIN IRON ACCUMULATION 3; BASAL GANGLIA DISEASE, ADULT-ONSET. Identifiers: Orphanet 157846, MedGen C1853578, MONDO:0011638, OMIM 606159.
Hereditary hyperferritinemia with congenital cataracts. Also called: HYPERFERRITINEMIA WITH OR WITHOUT CATARACT; Hereditary hyperferritinemia cataract syndrome; Bonneau-Beaumont syndrome. Identifiers: Orphanet 163, MedGen C1833213, MONDO:0010952, OMIM 600886.

Allele frequency attached by ClinVar (database versions not stated): gnomAD exomes below 0.00001.

Submissions (3):

Labcorp Genetics (formerly Invitae), Labcorp
Classification: Uncertain significance for Neuroferritinopathy; Hereditary hyperferritinemia with congenital cataracts. Last evaluated: 2025-05-11. Review status: criteria provided, single submitter. Criteria: Invitae Variant Classification Sherloc (09022015). Collection method: clinical testing. Allele origin: germline.
Comment: This variant occurs in a non-coding region of the FTL gene. It does not change the encoded amino acid sequence of the FTL protein. This variant is not present in population databases (gnomAD no frequency). This variant has been observed in individual(s) with clinical features of hyperferritinemia-cataract syndrome (PMID: 23421845). It has also been observed to segregate with disease in related individuals. This variant is also known as Badalona +36C>U. ClinVar contains an entry for this variant (Variation ID: 96691). Algorithms developed to predict the effect of variants on gene product structure and function are not available or were not evaluated for this variant. Experimental studies have shown that this variant affects FTL function (PMID: 23421845). In summary, the available evidence is currently insufficient to determine the role of this variant in disease. Therefore, it has been classified as a Variant of Uncertain Significance.

Blueprint Genetics
Classification: Pathogenic for FTL-related disorders. Last evaluated: 2024-08-27. Review status: criteria provided, single submitter. Criteria: ACMG Guidelines, 2015. Collection method: clinical testing. Allele origin: germline. Affected: yes. Observed: 4 variant alleles.

OMIM
Classification: Pathogenic for HYPERFERRITINEMIA WITH OR WITHOUT CATARACT. Last evaluated: 2013-02-19. Review status: no assertion criteria provided. Collection method: literature only. Allele origin: germline. Not counted in ClinVar's aggregate classification.

Literature cited by the submitters: PubMed 23421845 (cited by Labcorp Genetics (formerly Invitae), Labcorp and OMIM).